The following is an entry in ClinVar:

ClinVar aggregate classification (germline): Benign/Likely benign. Review status: criteria provided, multiple submitters, no conflicts (2 of 4 stars). 3 submissions from 3 submitters: Benign (1); Likely benign (2). Last evaluated 2025-09-08.

Conditions:
Oligodontia-cancer predisposition syndrome. Also called: TOOTH AGENESIS-COLORECTAL CANCER SYNDROME. Identifiers: Orphanet 300576, MedGen C1837750, MONDO:0012075, OMIM 608615. Disease mechanism: loss of function.
Hereditary cancer-predisposing syndrome. Also called: Neoplastic Syndromes, Hereditary; Tumor predisposition; Hereditary Cancer Syndrome; Hereditary neoplastic syndrome. Identifiers: Orphanet 140162, MedGen C0027672, MeSH D009386, MONDO:0015356.

Submissions (3):

Labcorp Genetics (formerly Invitae), Labcorp
Classification: Likely benign for Oligodontia-cancer predisposition syndrome. Last evaluated: 2025-09-08. Review status: criteria provided, single submitter. Criteria: Invitae Variant Classification Sherloc (09022015). Collection method: clinical testing. Allele origin: germline.

Myriad Genetics, Inc.
Classification: Benign for Oligodontia-cancer predisposition syndrome. Last evaluated: 2024-07-03. Review status: criteria provided, single submitter. Criteria: Myriad Autosomal Dominant, Autosomal Recessive and X-Linked Classification Criteria (2023). Collection method: clinical testing. Allele origin: unknown.
Comment: This variant is considered benign. This variant is a silent/synonymous amino acid change and it is not expected to impact splicing.

Ambry Genetics
Classification: Likely benign for Hereditary cancer-predisposing syndrome. Last evaluated: 2020-11-26. Review status: criteria provided, single submitter. Criteria: Ambry Variant Classification Scheme 2023. Collection method: clinical testing. Allele origin: germline.

NM_004655.4(AXIN2):c.1398C>T (p.Ser466=)

Gene: AXIN2 (axin 2; minus strand). Cytogenetic location: 17q24.1.
Variant type: single nucleotide variant.
Coding change: c.1398C>T on transcript NM_004655.4 (MANE Select); coding-DNA position 1398, C replaced by T.
Protein change: p.Ser466=; no amino-acid change (serine 466 retained).
Molecular consequence: synonymous variant.
Genome position (GRCh38, 1-based): chr17:65,537,638, G>A on the plus strand (C>T on the coding strand, the complement: AXIN2 is on the minus strand). VCF-style: chr17-65537638-G-A. GRCh37 (hg19) VCF-style: chr17-63533756-G-A.
Other names: c.1398C>T (LRG_296t1); c.1398C>T, p.Ser466= (NM_001363813.1).
Identifiers: ClinVar variation 464544 (VCV000464544.12), dbSNP rs760282693, ClinGen allele CA501691171.